The following is an entry in ClinVar:

NM_022366.3(TFB2M):c.143C>T (p.Ser48Phe)

Genes: TFB2M (transcription factor B2, mitochondrial; minus strand), LOC129932930 (ATAC-STARR-seq lymphoblastoid active region 2855; plus strand). Cytogenetic location: 1q44.
Variant type: single nucleotide variant.
Coding change: c.143C>T on transcript NM_022366.3 (MANE Select); coding-DNA position 143, C replaced by T.
Protein change: p.Ser48Phe; replaces serine 48 with phenylalanine.
Molecular consequence: missense variant.
Genome position (GRCh38, 1-based): chr1:246,565,996, G>A on the plus strand (C>T on the coding strand, the complement: TFB2M is on the minus strand). VCF-style: chr1-246565996-G-A. GRCh37 (hg19) VCF-style: chr1-246729298-G-A.
Other names: short protein forms S48F.
Identifiers: ClinVar variation 2640236 (VCV002640236.24), dbSNP rs148620105, ClinGen allele CA1489796.

ClinVar aggregate classification (germline): Likely benign (1 of 4 stars; one submission).

Allele frequency attached by ClinVar (database versions not stated): 1000 Genomes Project 30x 0.00062; 1000 Genomes Project 0.00080; TOPMed 0.00146; ESP Exome Variant Server 0.00169; gnomAD exomes 0.00206; gnomAD 0.00279; ExAC 0.00333.
gnomAD v4.1: 3,383 of 1,614,224 alleles (0.21%); highest among the groups gnomAD compares: Non-Finnish European, 0.22%; 16 homozygotes.

Submission:

CeGaT Center for Human Genetics Tuebingen
Classification: Likely benign. Last evaluated: 2022-12-01. Review status: criteria provided, single submitter. Criteria: CeGaT Center For Human Genetics Tuebingen Variant Classification Criteria Version 2. Collection method: clinical testing. Allele origin: germline. Affected: yes. Observed: 1 variant allele.
Comment: TFB2M: BP4, BS2